The following is an entry in ClinVar:

NM_002303.6(LEPR):c.1139A>G (p.Gln380Arg)

Gene: LEPR (leptin receptor; plus strand). Cytogenetic location: 1p31.3.
Variant type: single nucleotide variant.
Coding change: c.1139A>G on transcript NM_002303.6 (MANE Select); coding-DNA position 1139, A replaced by G.
Protein change: p.Gln380Arg; replaces glutamine 380 with arginine.
Molecular consequence: missense variant.
Genome position (GRCh38, 1-based): chr1:65,601,536, A>G. VCF-style: chr1-65601536-A-G. GRCh37 (hg19) VCF-style: chr1-66067219-A-G.
Other names: c.1139A>G, p.Gln380Arg (NM_001003679.3, NM_001003680.3, NM_001198687.2 and 2 more transcripts); short protein forms Q380R.
Identifiers: ClinVar variation 549504 (VCV000549504.3), dbSNP rs751025808, ClinGen allele CA894733.

ClinVar aggregate classification (germline): Uncertain significance (1 of 4 stars; one submission).

Conditions:
Monogenic diabetes. Identifiers: Orphanet 183625, MedGen C3888631, MONDO:0015967.

Allele frequency attached by ClinVar (database versions not stated): gnomAD exomes below 0.00001; ExAC 0.00001; gnomAD 0.00001.
gnomAD v4.1: 3 of 1,613,726 alleles (0.00019%); highest among the groups gnomAD compares: African/African-American, 0.0027%; no homozygotes.

Submission:

Personalized Diabetes Medicine Program, University of Maryland School of Medicine
Classification: Uncertain significance for Monogenic diabetes. Last evaluated: 2017-08-18. Review status: criteria provided, single submitter. Criteria: ACMG Guidelines, 2015. Collection method: research. Allele origin: unknown. Observed: 1 variant allele, 1 heterozygote. Study: Personalized Diabetes Medicine Program.
Comment: ACMG Criteria:PP3 (7 predictors), BP4 (3 predictors)